The following is an entry in ClinVar:

ClinVar aggregate classification (germline): Uncertain significance (1 of 4 stars; one submission).

gnomAD v4.1: 8 of 1,601,268 alleles (0.0005%); highest among the groups gnomAD compares: East Asian, 0.0022%; no homozygotes.

Submission:

Labcorp Genetics (formerly Invitae), Labcorp
Classification: Uncertain significance. Last evaluated: 2024-06-17. Review status: criteria provided, single submitter. Criteria: Invitae Variant Classification Sherloc (09022015). Collection method: clinical testing. Allele origin: germline.
Comment: This sequence change falls in intron 7 of the TELO2 gene. It does not directly change the encoded amino acid sequence of the TELO2 protein. It affects a nucleotide within the consensus splice site. The frequency data for this variant in the population databases is considered unreliable, as metrics indicate poor data quality at this position in the gnomAD database. This variant has not been reported in the literature in individuals affected with TELO2-related conditions. Variants that disrupt the consensus splice site are a relatively common cause of aberrant splicing (PMID: 17576681, 9536098). Algorithms developed to predict the effect of sequence changes on RNA splicing suggest that this variant is not likely to affect RNA splicing. In summary, the available evidence is currently insufficient to determine the role of this variant in disease. Therefore, it has been classified as a Variant of Uncertain Significance.

Literature cited by the submitters: PubMed 17576681; PubMed 9536098.

NM_016111.4(TELO2):c.1002+4C>T

Gene: TELO2 (telomere maintenance 2; plus strand). Cytogenetic location: 16p13.3.
Variant type: single nucleotide variant.
Coding change: c.1002+4C>T on transcript NM_016111.4 (MANE Select); 4 bases into the intron after coding-DNA position 1002, C replaced by T.
Molecular consequence: intron variant.
Genome position (GRCh38, 1-based): chr16:1,500,168, C>T. VCF-style: chr16-1500168-C-T. GRCh37 (hg19) VCF-style: chr16-1550169-C-T.
Other names: c.1002+4C>T (NM_001351846.2).
Identifiers: ClinVar variation 3677362 (VCV003677362.2).
Genomic context (GRCh38, chr16:1,500,168, plus strand): 5'-CAGAGCCTGCTGGGCCATCTGGCCATGGACAGCCAGCGGCGCCCGCTCCTGCTGCAGGTA[C>T]GTGCCTCCTGGCTCTCCGTCCCTGCGAGGCCCTGGGAGAAGAGCCGTGCGGGGCTCACCT-3'